The following is an entry in ClinVar:

NM_201548.5(CERKL):c.821-2A>G

Gene: CERKL (CERK like autophagy regulator; minus strand). Cytogenetic location: 2q31.3.
Variant type: single nucleotide variant.
Coding change: c.821-2A>G on transcript NM_201548.5 (MANE Select); the canonical splice acceptor site of the intron before coding-DNA position 821, A replaced by G.
Molecular consequence: splice acceptor variant.
Genome position (GRCh38, 1-based): chr2:181,549,710, T>C on the plus strand (A>G on the coding strand, the complement: CERKL is on the minus strand). VCF-style: chr2-181549710-T-C. GRCh37 (hg19) VCF-style: chr2-182414437-T-C.
Other names: c.482-2A>G (NM_001030312.3); c.767-2A>G (NM_001160277.2); c.614-2A>G (NM_001030313.3); c.899-2A>G (NM_001030311.3).
Identifiers: ClinVar variation 2119758 (VCV002119758.4), dbSNP rs2468298444, ClinGen allele CA349738020.

ClinVar aggregate classification (germline): Likely pathogenic (1 of 4 stars; one submission).

Submission:

Labcorp Genetics (formerly Invitae), Labcorp
Classification: Likely pathogenic. Last evaluated: 2022-03-31. Review status: criteria provided, single submitter. Criteria: Invitae Variant Classification Sherloc (09022015). Collection method: clinical testing. Allele origin: germline.
Comment: This variant has not been reported in the literature in individuals affected with CERKL-related conditions. In summary, the currently available evidence indicates that the variant is pathogenic, but additional data are needed to prove that conclusively. Therefore, this variant has been classified as Likely Pathogenic. Algorithms developed to predict the effect of sequence changes on RNA splicing suggest that this variant may disrupt the consensus splice site. This variant is not present in population databases (gnomAD no frequency). This sequence change affects an acceptor splice site in intron 6 of the CERKL gene. It is expected to disrupt RNA splicing. Variants that disrupt the donor or acceptor splice site typically lead to a loss of protein function (PMID: 16199547), and loss-of-function variants in CERKL are known to be pathogenic (PMID: 14681825, 23591405, 24043777).

Literature cited by the submitters: PubMed 16199547; PubMed 14681825; PubMed 23591405; PubMed 24043777.